The following is an entry in ClinVar:

NM_001004320.2(AGMO):c.109C>T (p.Pro37Ser)

Gene: AGMO (alkylglycerol monooxygenase; minus strand). Cytogenetic location: 7p21.2.
Variant type: single nucleotide variant.
Coding change: c.109C>T on transcript NM_001004320.2 (MANE Select); coding-DNA position 109, C replaced by T.
Protein change: p.Pro37Ser; replaces proline 37 with serine.
Molecular consequence: missense variant.
Genome position (GRCh38, 1-based): chr7:15,561,737, G>A on the plus strand (C>T on the coding strand, the complement: AGMO is on the minus strand). VCF-style: chr7-15561737-G-A. GRCh37 (hg19) VCF-style: chr7-15601362-G-A.
Other names: short protein forms P37S.
Identifiers: ClinVar variation 4280957 (VCV004280957.7).

ClinVar aggregate classification (germline): Uncertain significance (1 of 4 stars; one submission).

Submission:

CeGaT Center for Human Genetics Tuebingen
Classification: Uncertain significance. Last evaluated: 2025-09-01. Review status: criteria provided, single submitter. Criteria: CeGaT Center For Human Genetics Tuebingen Variant Classification Criteria Version 2. Collection method: clinical testing. Allele origin: germline. Affected: yes. Observed: 1 variant allele.
Comment: AGMO: PM2, BP4